The following is an entry in ClinVar:

ClinVar aggregate classification (germline): Uncertain significance (1 of 4 stars; one submission).

Submission:

Labcorp Genetics (formerly Invitae), Labcorp
Classification: Uncertain significance. Last evaluated: 2023-10-02. Review status: criteria provided, single submitter. Criteria: Invitae Variant Classification Sherloc (09022015). Collection method: clinical testing. Allele origin: germline.
Comment: This sequence change replaces leucine, which is neutral and non-polar, with phenylalanine, which is neutral and non-polar, at codon 19 of the MAK protein (p.Leu19Phe). This variant is not present in population databases (gnomAD no frequency). This variant has not been reported in the literature in individuals affected with MAK-related conditions. ClinVar contains an entry for this variant (Variation ID: 2115259). Advanced modeling of protein sequence and biophysical properties (such as structural, functional, and spatial information, amino acid conservation, physicochemical variation, residue mobility, and thermodynamic stability) performed at Invitae indicates that this missense variant is not expected to disrupt MAK protein function. In summary, the available evidence is currently insufficient to determine the role of this variant in disease. Therefore, it has been classified as a Variant of Uncertain Significance.

NM_001242957.3(MAK):c.55C>T (p.Leu19Phe)

Gene: MAK (male germ cell associated kinase; minus strand). Cytogenetic location: 6p24.2.
Variant type: single nucleotide variant.
Coding change: c.55C>T on transcript NM_001242957.3 (MANE Select); coding-DNA position 55, C replaced by T.
Protein change: p.Leu19Phe; replaces leucine 19 with phenylalanine.
Molecular consequence: missense variant. On other transcripts: non-coding transcript variant (2), intron variant (1).
Genome position (GRCh38, 1-based): chr6:10,830,594, G>A on the plus strand (C>T on the coding strand, the complement: MAK is on the minus strand). VCF-style: chr6-10830594-G-A. GRCh37 (hg19) VCF-style: chr6-10830827-G-A.
Other names: c.55C>T, p.Leu19Phe (NM_001242385.2, NM_005906.6); c.-2+7909C>T (NM_001377262.1); short protein forms L19F.
Identifiers: ClinVar variation 2115259 (VCV002115259.4), dbSNP rs2532653965, ClinGen allele CA362721790.